The following is an entry in ClinVar:

ClinVar aggregate classification (germline): Benign/Likely benign. Review status: criteria provided, multiple submitters, no conflicts (2 of 4 stars). 2 submissions from 2 submitters: Benign (1); Likely benign (1). Last evaluated 2026-01-19.

Conditions:
Spastic paraplegia. Identifiers: MedGen C0037772, HP:0001258.

Allele frequency attached by ClinVar (database versions not stated): 1000 Genomes Project 30x 0.00187; 1000 Genomes Project 0.00200; ESP Exome Variant Server 0.00317; gnomAD exomes 0.00334 and 0.00453; gnomAD 0.00356 and 0.00369; TOPMed 0.00421; ExAC 0.00448.
gnomAD v4.1: 7,048 of 1,604,888 alleles (0.44%); highest among the groups gnomAD compares: Admixed American, 0.64%; 25 homozygotes.

Submissions (2):

Labcorp Genetics (formerly Invitae), Labcorp
Classification: Benign for Spastic paraplegia. Last evaluated: 2026-01-19. Review status: criteria provided, single submitter. Criteria: Invitae Variant Classification Sherloc (09022015). Collection method: clinical testing. Allele origin: germline.

CeGaT Center for Human Genetics Tuebingen
Classification: Likely benign. Last evaluated: 2022-06-01. Review status: criteria provided, single submitter. Criteria: CeGaT Center For Human Genetics Tuebingen Variant Classification Criteria Version 2. Collection method: clinical testing. Allele origin: germline. Affected: yes. Observed: 1 variant allele.
Comment: ARSI: BP4, BP7

NM_001012301.4(ARSI):c.87C>T (p.Ala29=)

Gene: ARSI (arylsulfatase family member I; minus strand). Cytogenetic location: 5q32.
Variant type: single nucleotide variant.
Coding change: c.87C>T on transcript NM_001012301.4 (MANE Select); coding-DNA position 87, C replaced by T.
Protein change: p.Ala29=; no amino-acid change (alanine 29 retained).
Molecular consequence: synonymous variant.
Genome position (GRCh38, 1-based): chr5:150,302,287, G>A on the plus strand (C>T on the coding strand, the complement: ARSI is on the minus strand). VCF-style: chr5-150302287-G-A. GRCh37 (hg19) VCF-style: chr5-149681850-G-A.
Identifiers: ClinVar variation 465198 (VCV000465198.36), dbSNP rs200012526, ClinGen allele CA3510417.